The following is an entry in ClinVar:

NM_015631.6(TCTN3):c.1755A>T (p.Lys585Asn)

Gene: TCTN3 (tectonic family member 3; minus strand). Cytogenetic location: 10q24.1.
Variant type: single nucleotide variant.
Coding change: c.1755A>T on transcript NM_015631.6 (MANE Select); coding-DNA position 1755, A replaced by T.
Protein change: p.Lys585Asn; replaces lysine 585 with asparagine.
Molecular consequence: missense variant.
Genome position (GRCh38, 1-based): chr10:95,664,136, T>A on the plus strand (A>T on the coding strand, the complement: TCTN3 is on the minus strand). VCF-style: chr10-95664136-T-A. GRCh37 (hg19) VCF-style: chr10-97423893-T-A.
Other names: c.1809A>T, p.Lys603Asn (NM_001013840.1); c.1311A>T, p.Lys437Asn (NM_001143973.2); c.1659A>T, p.Lys553Asn (NM_001410982.1); short protein forms K437N, K585N, K603N, K553N.
Identifiers: ClinVar variation 2142076 (VCV002142076.3), dbSNP rs776341556, ClinGen allele CA5620748.
Genomic context (GRCh38, chr10:95,664,136, plus strand): 5'-CTCTAGGTTGAGAACTCCAAGTAGTAAGAGGCACAGGATAAGGATGGGAGAGACTGAGCA[T>A]TTTTGAGAGAATACTCCTCTGCTGAATGCCACTTTGAAGGGAAAGAAGTCGAATGGCCAT-3'
Protein context (NP_056446.4, residues 575-595): VAFSRGVFSQ[Lys585Asn]CSVSPILILC

ClinVar aggregate classification (germline): Uncertain significance (1 of 4 stars; one submission).

Conditions:
Joubert syndrome 18 (JBTS18). Identifiers: Orphanet 2754, MedGen C3553758, MONDO:0013896, OMIM 614815.
Orofacial-digital syndrome IV (OFD4). Also called: BARAITSER-BURN SYNDROME; OFD SYNDROME WITH TIBIAL DEFECTS; OFD SYNDROME, BARAITSER-BURN TYPE; OFDS IV; ORAL-FACIAL-DIGITAL SYNDROME, TYPE IV; Orofaciodigital syndrome IV. Identifiers: Orphanet 2753, MedGen C0406727, MONDO:0009794, OMIM 258860.

Allele frequency attached by ClinVar (database versions not stated): ExAC 0.00001; gnomAD exomes 0.00001; TOPMed 0.00001.
gnomAD v4.1: 22 of 1,614,168 alleles (0.0014%); highest among the groups gnomAD compares: East Asian, 0.0022%; no homozygotes.

Submission:

Labcorp Genetics (formerly Invitae), Labcorp
Classification: Uncertain significance for Joubert syndrome 18; Orofacial-digital syndrome IV. Last evaluated: 2024-12-02. Review status: criteria provided, single submitter. Criteria: Invitae Variant Classification Sherloc (09022015). Collection method: clinical testing. Allele origin: germline.
Comment: This sequence change replaces lysine, which is basic and polar, with asparagine, which is neutral and polar, at codon 585 of the TCTN3 protein (p.Lys585Asn). This variant is present in population databases (rs776341556, gnomAD 0.004%). This variant has not been reported in the literature in individuals affected with TCTN3-related conditions. ClinVar contains an entry for this variant (Variation ID: 2142076). An algorithm developed to predict the effect of missense changes on protein structure and function (PolyPhen-2) suggests that this variant is likely to be disruptive. In summary, the available evidence is currently insufficient to determine the role of this variant in disease. Therefore, it has been classified as a Variant of Uncertain Significance.